The following is an entry in ClinVar:

NM_152490.5(B3GALNT2):c.1368+1G>C

Gene: B3GALNT2 (beta-1,3-N-acetylgalactosaminyltransferase 2; minus strand). Cytogenetic location: 1q42.3.
Variant type: single nucleotide variant.
Coding change: c.1368+1G>C on transcript NM_152490.5 (MANE Select); the canonical splice donor site of the intron after coding-DNA position 1368, G replaced by C.
Molecular consequence: splice donor variant.
Genome position (GRCh38, 1-based): chr1:235,453,089, C>G on the plus strand (G>C on the coding strand, the complement: B3GALNT2 is on the minus strand). VCF-style: chr1-235453089-C-G. GRCh37 (hg19) VCF-style: chr1-235616401-C-G.
Identifiers: ClinVar variation 1007494 (VCV001007494.9), dbSNP rs1479230229, ClinGen allele CA344955984.

ClinVar aggregate classification (germline): Pathogenic. Review status: criteria provided, multiple submitters, no conflicts (2 of 4 stars). 2 submissions from 2 submitters: Pathogenic (2). Last evaluated 2023-07-14.

Conditions:
Muscular dystrophy-dystroglycanopathy (congenital with brain and eye anomalies), type a, 11 (MDDGA11). Also called: WALKER-WARBURG SYNDROME OR MUSCLE-EYE-BRAIN DISEASE, B3GALNT2-RELATED; Congenital muscular dystrophy-dystroglycanopathy with brain and eye anomalies, type A11; Muscular dystrophy-dystroglycanopathy (congenital with brain and eye anomalies, type A, 11. Identifiers: Orphanet 588, Orphanet 899, MedGen C3554638, MONDO:0014071, OMIM 615181.

Submissions (2):

Labcorp Genetics (formerly Invitae), Labcorp
Classification: Pathogenic for Muscular dystrophy-dystroglycanopathy (congenital with brain and eye anomalies), type a, 11. Last evaluated: 2023-07-14. Review status: criteria provided, single submitter. Criteria: Invitae Variant Classification Sherloc (09022015). Collection method: clinical testing. Allele origin: germline.
Comment: For these reasons, this variant has been classified as Pathogenic. This variant disrupts a region of the B3GALNT2 protein in which other variant(s) (p.Pro474del) have been determined to be pathogenic (PMID: 26663670, 33290285). This suggests that this is a clinically significant region of the protein, and that variants that disrupt it are likely to be disease-causing. Variants that disrupt the consensus splice site are a relatively common cause of aberrant splicing (PMID: 17576681, 9536098). Algorithms developed to predict the effect of sequence changes on RNA splicing suggest that this variant may disrupt the consensus splice site. ClinVar contains an entry for this variant (Variation ID: 1007494). This variant has not been reported in the literature in individuals affected with B3GALNT2-related conditions. This variant is not present in population databases (gnomAD no frequency). This sequence change affects a donor splice site in intron 11 of the B3GALNT2 gene. While this variant is not anticipated to result in nonsense mediated decay, it likely alters RNA splicing and results in a disrupted protein product.

Revvity Omics, Revvity
Classification: Pathogenic for Muscular dystrophy-dystroglycanopathy (congenital with brain and eye anomalies), type a, 11. Last evaluated: 2022-04-20. Review status: criteria provided, single submitter. Criteria: ACMG Guidelines, 2015. Collection method: clinical testing. Allele origin: germline.

Literature cited by the submitters: PubMed 26663670 (cited by Labcorp Genetics (formerly Invitae), Labcorp); PubMed 33290285 (cited by Labcorp Genetics (formerly Invitae), Labcorp); PubMed 17576681 (cited by Labcorp Genetics (formerly Invitae), Labcorp); PubMed 9536098 (cited by Labcorp Genetics (formerly Invitae), Labcorp).